The following is an entry in ClinVar:

NM_172364.5(CACNA2D4):c.1927G>A (p.Asp643Asn)

Gene: CACNA2D4 (calcium voltage-gated channel auxiliary subunit alpha2delta 4; minus strand). Cytogenetic location: 12p13.33.
Variant type: single nucleotide variant.
Coding change: c.1927G>A on transcript NM_172364.5 (MANE Select); coding-DNA position 1927, G replaced by A.
Protein change: p.Asp643Asn; replaces aspartic acid 643 with asparagine.
Molecular consequence: missense variant.
Genome position (GRCh38, 1-based): chr12:1,860,158, C>T on the plus strand (G>A on the coding strand, the complement: CACNA2D4 is on the minus strand). VCF-style: chr12-1860158-C-T. GRCh37 (hg19) VCF-style: chr12-1969324-C-T.
Other names: c.1927G>A (NM_172364.4); short protein forms D643N.
Identifiers: ClinVar variation 2078912 (VCV002078912.7), dbSNP rs367750825, ClinGen allele CA6386943.

ClinVar aggregate classification (germline): Uncertain significance. Review status: criteria provided, multiple submitters, no conflicts (2 of 4 stars). 3 submissions from 3 submitters: Uncertain significance (3). Last evaluated 2025-05-29.

Conditions:
Inborn genetic diseases. Identifiers: MedGen C0950123, MeSH D030342.

Allele frequency attached by ClinVar (database versions not stated): gnomAD 0.00002; gnomAD exomes 0.00002; TOPMed 0.00003; ExAC 0.00007.
gnomAD v4.1: 31 of 1,613,484 alleles (0.0019%); highest among the groups gnomAD compares: African/African-American, 0.004%; no homozygotes.

Submissions (3):

Labcorp Genetics (formerly Invitae), Labcorp
Classification: Uncertain significance. Last evaluated: 2025-05-29. Review status: criteria provided, single submitter. Criteria: Invitae Variant Classification Sherloc (09022015). Collection method: clinical testing. Allele origin: germline.
Comment: This sequence change replaces aspartic acid, which is acidic and polar, with asparagine, which is neutral and polar, at codon 643 of the CACNA2D4 protein (p.Asp643Asn). This variant is present in population databases (rs367750825, gnomAD 0.006%). This variant has not been reported in the literature in individuals affected with CACNA2D4-related conditions. ClinVar contains an entry for this variant (Variation ID: 2078912). An algorithm developed to predict the effect of missense changes on protein structure and function (PolyPhen-2) suggests that this variant is likely to be tolerated. In summary, the available evidence is currently insufficient to determine the role of this variant in disease. Therefore, it has been classified as a Variant of Uncertain Significance.

Blueprint Genetics
Classification: Uncertain significance. Last evaluated: 2024-09-23. Review status: criteria provided, single submitter. Criteria: ACMG Guidelines, 2015. Collection method: clinical testing. Allele origin: germline.

Ambry Genetics
Classification: Uncertain significance for Inborn genetic diseases. Last evaluated: 2023-06-27. Review status: criteria provided, single submitter. Criteria: Ambry Variant Classification Scheme 2023. Collection method: clinical testing. Allele origin: germline.